The following is an entry in ClinVar:

NM_001754.5(RUNX1):c.1224C>G (p.Gly408=)

Gene: RUNX1 (RUNX family transcription factor 1; minus strand). Cytogenetic location: 21q22.12.
Variant type: single nucleotide variant.
Coding change: c.1224C>G on transcript NM_001754.5 (MANE Select); coding-DNA position 1224, C replaced by G.
Protein change: p.Gly408=; no amino-acid change (glycine 408 retained).
Molecular consequence: synonymous variant.
Genome position (GRCh38, 1-based): chr21:34,792,354, G>C on the plus strand (C>G on the coding strand, the complement: RUNX1 is on the minus strand). VCF-style: chr21-34792354-G-C. GRCh37 (hg19) VCF-style: chr21-36164651-G-C.
Other names: NM_001754.5(RUNX1):c.1224C>G; p.Gly408=; c.1143C>G, p.Gly381= (NM_001001890.3).
Identifiers: ClinVar variation 3791463 (VCV003791463.1).
Genomic context (GRCh38, chr21:34,792,354, plus strand): 5'-GATGCGCGGCGGCGAGCGCTCGCCGCCCACCATGGAGAACTGGTAGGAGCCGGCCGAGGC[G>C]CCGTAGTACAGGTGGTAGGAGGGCGAGCTGGCTTGGAACGGGCCTCCCTGCGCTTGCGAC-3'
Protein context (NP_001745.2, residues 398-418): ASSPSYHLYY[Gly408=]ASAGSYQFSM

ClinVar aggregate classification (germline): Likely benign. Review status: reviewed by expert panel (3 of 4 stars). 2 submissions from 2 submitters: Likely benign (1). 1 of the submissions does not count toward it. Last evaluated 2025-07-14.

Conditions:
Inborn genetic diseases. Identifiers: MedGen C0950123, MeSH D030342.
Hereditary thrombocytopenia and hematologic cancer predisposition syndrome. Identifiers: Orphanet 71290, MedGen CN281654, MONDO:0011071.

Submissions (2):

ClinGen Myeloid Malignancy Variant Curation Expert Panel
Classification: Likely benign for Hereditary thrombocytopenia and hematologic cancer predisposition syndrome. Last evaluated: 2025-07-14. Review status: reviewed by expert panel. Criteria: ClinGen MyeloMalig ACMG Specifications v2. Collection method: curation. Allele origin: germline. Inheritance: Autosomal dominant inheritance.
Comment: NM_001754.5(RUNX1):c.1224C>G (p.Gly408=) is a synonymous variant which has a SpliceAI score ≤ 0.20 (0.0) (BP4). This variant has a SpliceAI score ≤ 0.20 (0.0) and evolutionary conservation prediction algorithms predict the site as not being conserved (PhyloP score ≤ 2.0 (0.50) (BP7). This variant is completely absent from all population databases with at least 20x coverage for RUNX1 (PM2_Supporting). In summary, this variant meets criteria to be classified as likely benign. ACMG/AMP criteria applied, as specified by the Myeloid Malignancy Variant Curation Expert Panel for RUNX1: BP4, BP7, PM2_supporting.

Ambry Genetics
Classification: Likely benign for Inborn genetic diseases. Last evaluated: 2024-12-14. Review status: criteria provided, single submitter. Criteria: Ambry Variant Classification Scheme 2023. Collection method: clinical testing. Allele origin: germline. Not counted in ClinVar's aggregate classification.